The following is an entry in ClinVar:

NM_000179.3(MSH6):c.2034A>T (p.Glu678Asp)

Gene: MSH6 (mutS homolog 6; plus strand). Cytogenetic location: 2p16.3.
Variant type: single nucleotide variant.
Coding change: c.2034A>T on transcript NM_000179.3 (MANE Select); coding-DNA position 2034, A replaced by T.
Protein change: p.Glu678Asp; replaces glutamic acid 678 with aspartic acid.
Molecular consequence: missense variant. On other transcripts: non-coding transcript variant (5), intron variant (2).
Genome position (GRCh38, 1-based): chr2:47,800,017, A>T. VCF-style: chr2-47800017-A-T. GRCh37 (hg19) VCF-style: chr2-48027156-A-T.
Other names: c.1644A>T, p.Glu548Asp (NM_001281492.2); c.1128A>T, p.Glu376Asp (NM_001281493.2, NM_001281494.2, NM_001406811.1 and 6 more transcripts); c.2130A>T, p.Glu710Asp (NM_001406795.1, NM_001406802.1); c.2034A>T, p.Glu678Asp (NM_001406796.1, NM_001406798.1, NM_001406800.1 and 3 more transcripts); c.1737A>T, p.Glu579Asp (NM_001406797.1, NM_001406801.1, NM_001406805.1 and 10 more transcripts); c.1509A>T, p.Glu503Asp (NM_001406799.1, NM_001406806.1, NM_001406807.1); c.1956A>T, p.Glu652Asp (NM_001406804.1); c.2040A>T, p.Glu680Asp (NM_001406813.1); and 3 more; short protein forms E680D, E376D, E548D, E622D, E503D, E652D, E579D, E678D.
Identifiers: ClinVar variation 3913714 (VCV003913714.1).

ClinVar aggregate classification (germline): Uncertain significance (1 of 4 stars; one submission).

Conditions:
Hereditary cancer-predisposing syndrome. Also called: Hereditary Cancer Syndrome; Hereditary neoplastic syndrome; Neoplastic Syndromes, Hereditary; Tumor predisposition. Identifiers: Orphanet 140162, MedGen C0027672, MeSH D009386, MONDO:0015356.

Submission:

Ambry Genetics
Classification: Uncertain significance for Hereditary cancer-predisposing syndrome. Last evaluated: 2025-03-21. Review status: criteria provided, single submitter. Criteria: Ambry Variant Classification Scheme 2023. Collection method: clinical testing. Allele origin: germline.
Comment: The p.E678D variant (also known as c.2034A>T), located in coding exon 4 of the MSH6 gene, results from an A to T substitution at nucleotide position 2034. The glutamic acid at codon 678 is replaced by aspartic acid, an amino acid with highly similar properties. This amino acid position is highly conserved in available vertebrate species. In addition, the in silico prediction for this alteration is inconclusive. Based on the available evidence, the clinical significance of this variant remains unclear.